The following is an entry in ClinVar:

NM_000059.4(BRCA2):c.448C>T (p.His150Tyr)

Gene: BRCA2 (BRCA2 DNA repair associated; plus strand). Cytogenetic location: 13q13.1.
Variant type: single nucleotide variant.
Coding change: c.448C>T on transcript NM_000059.4 (MANE Select); coding-DNA position 448, C replaced by T.
Protein change: p.His150Tyr; replaces histidine 150 with tyrosine.
Molecular consequence: missense variant.
Genome position (GRCh38, 1-based): chr13:32,326,123, C>T. VCF-style: chr13-32326123-C-T. GRCh37 (hg19) VCF-style: chr13-32900260-C-T.
Other names: c.448C>T, p.His150Tyr (NM_001406719.1, NM_001406720.1, NM_001406721.1); c.79C>T, p.His27Tyr (NM_001406722.1); short protein forms H150Y, H27Y.
Identifiers: ClinVar variation 1740953 (VCV001740953.7), dbSNP rs2137449527, ClinGen allele CA387757092.

ClinVar aggregate classification (germline): Uncertain significance. Review status: criteria provided, multiple submitters, no conflicts (2 of 4 stars). 2 submissions from 2 submitters: Uncertain significance (2). Last evaluated 2025-09-22.

Conditions:
Hereditary cancer-predisposing syndrome. Also called: Hereditary Cancer Syndrome; Hereditary neoplastic syndrome; Neoplastic Syndromes, Hereditary; Tumor predisposition. Identifiers: Orphanet 140162, MedGen C0027672, MeSH D009386, MONDO:0015356.
Hereditary breast ovarian cancer syndrome. Also called: Hereditary breast and ovarian cancer syndrome (HBOC); Hereditary breast and ovarian cancer syndrome; Breast and ovarian cancer; Hereditary breast and/or ovarian cancer syndrome; Hereditary breast and ovarian cancer; BRCA1- and BRCA2-Associated Hereditary Breast and Ovarian Cancer. Identifiers: Orphanet 145, MedGen C0677776, MeSH D061325, MONDO:0003582. Disease mechanism: loss of function.

Submissions (2):

Labcorp Genetics (formerly Invitae), Labcorp
Classification: Uncertain significance for Hereditary breast ovarian cancer syndrome. Last evaluated: 2025-09-22. Review status: criteria provided, single submitter. Criteria: Invitae Variant Classification Sherloc (09022015). Collection method: clinical testing. Allele origin: germline.
Comment: This sequence change replaces histidine, which is basic and polar, with tyrosine, which is neutral and polar, at codon 150 of the BRCA2 protein (p.His150Tyr). This variant is not present in population databases (gnomAD no frequency). This variant has not been reported in the literature in individuals affected with BRCA2-related conditions. ClinVar contains an entry for this variant (Variation ID: 1740953). Invitae Evidence Modeling of protein sequence and biophysical properties (such as structural, functional, and spatial information, amino acid conservation, physicochemical variation, residue mobility, and thermodynamic stability) indicates that this missense variant is not expected to disrupt BRCA2 protein function with a negative predictive value of 95%. In summary, the available evidence is currently insufficient to determine the role of this variant in disease. Therefore, it has been classified as a Variant of Uncertain Significance.

Ambry Genetics
Classification: Uncertain significance for Hereditary cancer-predisposing syndrome. Last evaluated: 2020-07-15. Review status: criteria provided, single submitter. Criteria: Ambry Variant Classification Scheme 2023. Collection method: clinical testing. Allele origin: germline.
Comment: The p.H150Y variant (also known as c.448C>T), located in coding exon 4 of the BRCA2 gene, results from a C to T substitution at nucleotide position 448. The histidine at codon 150 is replaced by tyrosine, an amino acid with similar properties. This amino acid position is not well conserved in available vertebrate species. In addition, this alteration is predicted to be tolerated by in silico analysis. Since supporting evidence is limited at this time, the clinical significance of this alteration remains unclear.